The following is an entry in ClinVar:

ClinVar aggregate classification (germline): Benign (1 of 4 stars; one submission).

Allele frequency attached by ClinVar (database versions not stated): 1000 Genomes Project 30x 0.35047; TOPMed 0.31824.

Submission:

GeneDx
Classification: Benign. Last evaluated: 2018-06-19. Review status: criteria provided, single submitter. Criteria: GeneDx Variant Classification (06012015). Collection method: clinical testing. Allele origin: germline. Affected: yes.
Comment: This variant is considered likely benign or benign based on one or more of the following criteria: it is a conservative change, it occurs at a poorly conserved position in the protein, it is predicted to be benign by multiple in silico algorithms, and/or has population frequency not consistent with disease.

NM_002641.3(PIGA):c.-427G>C

Gene: PIGA (phosphatidylinositol glycan anchor biosynthesis class A; minus strand). Cytogenetic location: Xp22.2.
Variant type: single nucleotide variant.
Coding change: c.-427G>C on transcript NM_002641.3; 427 bases upstream of the start codon, G replaced by C.
Genome position (GRCh38, 1-based): chrX:15,335,865, C>G on the plus strand (G>C on the coding strand, the complement: PIGA is on the minus strand). VCF-style: chrX-15335865-C-G. GRCh37 (hg19) VCF-style: chrX-15353987-C-G.
Identifiers: ClinVar variation 668818 (VCV000668818.3), dbSNP rs6632348, ClinGen allele CA326945289.